The following is an entry in ClinVar:

ClinVar aggregate classification (germline): Conflicting classifications of pathogenicity. Review status: criteria provided, conflicting classifications (1 of 4 stars). 4 submissions from 4 submitters: Uncertain significance (2); Likely benign (2). Last evaluated 2025-08-19.

Conditions:
Woolly hair-skin fragility syndrome (WHSF). Identifiers: Orphanet 293165, MedGen C1843292, MONDO:0957307, OMIM 620415.
Cardiomyopathy, dilated, with wooly hair, keratoderma, and tooth agenesis. Also called: Cardiomyopathy, dilated, with woolly hair, keratoderma, and tooth agenesis; Erythrokeratodermia-cardiomyopathy syndrome. Identifiers: Orphanet 476096, Orphanet 65282, MedGen C4014393, MONDO:0014355, OMIM 615821.
Lethal acantholytic epidermolysis bullosa (EBLA). Identifiers: Orphanet 158687, MedGen C1864826, MONDO:0012323, OMIM 609638.
Arrhythmogenic cardiomyopathy with wooly hair and keratoderma. Also called: PALMOPLANTAR KERATODERMA WITH LEFT VENTRICULAR CARDIOMYOPATHY AND WOOLLY HAIR; Carvajal syndrome; Dilated cardiomyopathy with woolly hair and keratoderma; Arrhythmogenic cardiomyopathy with woolly hair and keratoderma. Identifiers: Orphanet 65282, MedGen C1854063, MONDO:0011581, OMIM 605676.
Arrhythmogenic right ventricular dysplasia 8 (ARVD8). Also called: Arrhythmogenic Right Ventricular Dysplasia/Cardiomyopathy 8; ARRHYTHMOGENIC RIGHT VENTRICULAR DYSPLASIA, FAMILIAL, 8; ARRHYTHMOGENIC RIGHT VENTRICULAR CARDIOMYOPATHY 8. Identifiers: MedGen C1843896, MONDO:0011831, OMIM 607450.
Keratosis palmoplantaris striata 2. Also called: Keratosis palmoplantaris striata II; KERATODERMA, PALMOPLANTAR, STRIATE FORM II; STRIATE PALMOPLANTAR KERATODERMA II. Identifiers: MedGen C1852127, MONDO:0013034, OMIM 612908.
Cardiovascular phenotype. Identifiers: MedGen CN230736.

Allele frequency attached by ClinVar (database versions not stated): TOPMed 0.00001.
gnomAD v4.1: 6 of 1,613,966 alleles (0.00037%); highest among the groups gnomAD compares: African/African-American, 0.0053%; no homozygotes.

Submissions (4):

Ambry Genetics
Classification: Likely benign for Cardiovascular phenotype. Last evaluated: 2025-08-19. Review status: criteria provided, single submitter. Criteria: Ambry Variant Classification Scheme 2023. Collection method: clinical testing. Allele origin: germline.

Labcorp Genetics (formerly Invitae), Labcorp
Classification: Likely benign for Arrhythmogenic cardiomyopathy with wooly hair and keratoderma; Arrhythmogenic right ventricular dysplasia 8. Last evaluated: 2024-10-08. Review status: criteria provided, single submitter. Criteria: Invitae Variant Classification Sherloc (09022015). Collection method: clinical testing. Allele origin: germline.

All of Us Research Program, National Institutes of Health
Classification: Uncertain significance for Arrhythmogenic cardiomyopathy with wooly hair and keratoderma. Last evaluated: 2023-12-13. Review status: criteria provided, single submitter. Criteria: ACMG Guidelines, 2015. Collection method: clinical testing. Allele origin: germline. Inheritance: Autosomal dominant inheritance. Observed: 1 variant allele, 1 heterozygote.
Comment: This missense variant replaces valine with isoleucine at codon 2176 of the DSP protein. Computational prediction suggests that this variant may not impact protein structure and function (internally defined REVEL score threshold <= 0.5, PMID: 27666373). To our knowledge, functional studies have not been reported for this variant. This variant has not been reported in individuals affected with DSP-related disorders in the literature. This variant has been identified in 2/282864 chromosomes in the general population by the Genome Aggregation Database (gnomAD). The available evidence is insufficient to determine the role of this variant in disease conclusively. Therefore, this variant is classified as a Variant of Uncertain Significance.

This study involves interpretation of variants in research participants for the purpose of population health screening. Participant phenotype was not available at the time of variant classification. Additional details can be found in publication PMID: 35346344, PMCID: PMC8962531

Fulgent Genetics
Classification: Uncertain significance for Arrhythmogenic cardiomyopathy with wooly hair and keratoderma; Arrhythmogenic right ventricular dysplasia 8; Lethal acantholytic epidermolysis bullosa; Keratosis palmoplantaris striata 2; Cardiomyopathy, dilated, with wooly hair, keratoderma, and tooth agenesis. Last evaluated: 2021-09-14. Review status: criteria provided, single submitter. Criteria: ACMG Guidelines, 2015. Collection method: clinical testing. Allele origin: unknown.

NM_004415.4(DSP):c.6526G>A (p.Val2176Ile)

Gene: DSP (desmoplakin; plus strand). Cytogenetic location: 6p24.3.
Variant type: single nucleotide variant.
Coding change: c.6526G>A on transcript NM_004415.4 (MANE Select); coding-DNA position 6526, G replaced by A.
Protein change: p.Val2176Ile; replaces valine 2176 with isoleucine.
Molecular consequence: missense variant.
Genome position (GRCh38, 1-based): chr6:7,583,788, G>A. VCF-style: chr6-7583788-G-A. GRCh37 (hg19) VCF-style: chr6-7584021-G-A.
Other names: c.6526G>A (LRG_423t1); c.4729G>A, p.Val1577Ile (NM_001008844.3); c.5197G>A, p.Val1733Ile (NM_001319034.2); short protein forms V2176I, V1577I, V1733I.
Identifiers: ClinVar variation 534295 (VCV000534295.13), dbSNP rs746533703, ClinGen allele CA362690983.